The following is an entry in ClinVar:

ClinVar aggregate classification (germline): Uncertain significance. Review status: criteria provided, multiple submitters, no conflicts (2 of 4 stars). 2 submissions from 2 submitters: Uncertain significance (2). Last evaluated 2025-06-11.

Conditions:
Inborn genetic diseases. Identifiers: MedGen C0950123, MeSH D030342.

gnomAD v4.1: 20 of 1,607,988 alleles (0.0012%); highest among the groups gnomAD compares: Admixed American, 0.017%; no homozygotes.

Submissions (2):

Ambry Genetics
Classification: Uncertain significance for Inborn genetic diseases. Last evaluated: 2025-06-11. Review status: criteria provided, single submitter. Criteria: Ambry Variant Classification Scheme 2023. Collection method: clinical testing. Allele origin: germline.

Labcorp Genetics (formerly Invitae), Labcorp
Classification: Uncertain significance. Last evaluated: 2024-10-28. Review status: criteria provided, single submitter. Criteria: Invitae Variant Classification Sherloc (09022015). Collection method: clinical testing. Allele origin: germline.
Comment: This sequence change replaces valine, which is neutral and non-polar, with alanine, which is neutral and non-polar, at codon 369 of the NPR3 protein (p.Val369Ala). This variant is present in population databases (rs559202598, gnomAD 0.003%). This variant has not been reported in the literature in individuals affected with NPR3-related conditions. An algorithm developed to predict the effect of missense changes on protein structure and function outputs the following: PolyPhen-2: "Benign". The alanine amino acid residue is found in multiple mammalian species, which suggests that this missense change does not adversely affect protein function. In summary, the available evidence is currently insufficient to determine the role of this variant in disease. Therefore, it has been classified as a Variant of Uncertain Significance.

NM_001204375.2(NPR3):c.1106T>C (p.Val369Ala)

Gene: NPR3 (natriuretic peptide receptor 3; plus strand). Cytogenetic location: 5p13.3.
Variant type: single nucleotide variant.
Coding change: c.1106T>C on transcript NM_001204375.2 (MANE Select); coding-DNA position 1106, T replaced by C.
Protein change: p.Val369Ala; replaces valine 369 with alanine.
Molecular consequence: missense variant.
Genome position (GRCh38, 1-based): chr5:32,774,754, T>C. VCF-style: chr5-32774754-T-C. GRCh37 (hg19) VCF-style: chr5-32774860-T-C.
Other names: c.1106T>C, p.Val369Ala (NM_000908.4); c.458T>C, p.Val153Ala (NM_001204376.2, NM_001363652.2); c.386T>C, p.Val129Ala (NM_001364458.2); c.335T>C, p.Val112Ala (NM_001364460.2); c.1106T>C (NM_001204375.1); short protein forms V112A, V129A, V153A, V369A.
Identifiers: ClinVar variation 3626542 (VCV003626542.2).